The following is an entry in ClinVar:

ClinVar aggregate classification (germline): Uncertain significance (0 of 4 stars; one submission).

Conditions:
MLH3-related disorder. Also called: MLH3-related condition.

Submission:

PreventionGenetics, part of Exact Sciences
Classification: Uncertain significance for MLH3-related condition. Last evaluated: 2024-05-01. Review status: no assertion criteria provided. Collection method: clinical testing. Allele origin: germline.
Comment: The MLH3 c.437dupT variant is predicted to result in a frameshift and premature protein termination (p.Thr147Asnfs*4). To our knowledge, this variant has not been reported in the literature or in a large population database, indicating this variant is rare. Loss of function is not an established mechanism of MLH3-related disease. At this time, the clinical significance of this variant is uncertain due to the absence of conclusive functional and genetic evidence.

NM_001040108.2(MLH3):c.437dup (p.Thr147fs)

Gene: MLH3 (mutL homolog 3; minus strand). Cytogenetic location: 14q24.3.
Variant type: Duplication.
Coding change: c.437dup on transcript NM_001040108.2 (MANE Select); coding-DNA position 437, one base duplicated (T; older notation c.437dupT).
Protein change: p.Thr147fs; shifts the reading frame from threonine 147.
Molecular consequence: frameshift variant.
Genome position (GRCh38, 1-based): chr14:75,049,219, A duplicated on the plus strand (T on the coding strand, the reverse complement: MLH3 is on the minus strand). VCF-style (leftmost placement, unchanged base first): chr14-75049218-T-TA. GRCh37 (hg19) VCF-style: chr14-75515921-T-TA.
Other names: c.437dup, p.Thr147fs (NM_014381.3); c.437dupT (NM_001040108.1); short protein forms T147fs.
Identifiers: ClinVar variation 3344739 (VCV003344739.1).